The following is an entry in ClinVar:

ClinVar aggregate classification (germline): Likely benign. Review status: criteria provided, multiple submitters, no conflicts (2 of 4 stars). 3 submissions from 3 submitters: Likely benign (2). 1 of the submissions does not count toward it. Last evaluated 2025-08-27.

Conditions:
Autosomal dominant hypocalcemia 1 (HYPOC1). Also called: HYPOCALCEMIA, FAMILIAL. Identifiers: MedGen C3715128, MONDO:0011013, OMIM 601198.
Familial hypocalciuric hypercalcemia (FHH). Also called: Familial benign hypercalcemia. Identifiers: Orphanet 405, MedGen C1809471, MONDO:0018458.
CASR-related disorder. Also called: CASR-related condition.
Nephrolithiasis/nephrocalcinosis. Identifiers: MedGen CN580796.

Allele frequency attached by ClinVar (database versions not stated): gnomAD 0.00001 and 0.00002; TOPMed 0.00001; gnomAD exomes 0.00002 and 0.00005; ExAC 0.00003; 1000 Genomes Project 30x 0.00016; 1000 Genomes Project 0.00020.
gnomAD v4.1: 29 of 1,613,586 alleles (0.0018%); highest among the groups gnomAD compares: East Asian, 0.033%; no homozygotes.

Submissions (3):

Labcorp Genetics (formerly Invitae), Labcorp
Classification: Likely benign for Familial hypocalciuric hypercalcemia; Autosomal dominant hypocalcemia 1. Last evaluated: 2025-08-27. Review status: criteria provided, single submitter. Criteria: Invitae Variant Classification Sherloc (09022015). Collection method: clinical testing. Allele origin: germline.

Ambry Genetics
Classification: Likely benign for Nephrolithiasis/nephrocalcinosis. Last evaluated: 2019-08-22. Review status: criteria provided, single submitter. Criteria: Ambry Variant Classification Scheme 2023. Collection method: clinical testing. Allele origin: germline.

PreventionGenetics, part of Exact Sciences
Classification: Likely benign for CASR-related condition. Last evaluated: 2021-01-21. Review status: no assertion criteria provided. Collection method: clinical testing. Allele origin: germline. Not counted in ClinVar's aggregate classification.
Comment: This variant is classified as likely benign based on ACMG/AMP sequence variant interpretation guidelines (Richards et al. 2015 PMID: 25741868, with internal and published modifications).

NM_000388.4(CASR):c.2028G>A (p.Thr676=)

Gene: CASR (calcium sensing receptor; plus strand). Cytogenetic location: 3q21.1.
Variant type: single nucleotide variant.
Coding change: c.2028G>A on transcript NM_000388.4 (MANE Select); coding-DNA position 2028, G replaced by A.
Protein change: p.Thr676=; no amino-acid change (threonine 676 retained).
Molecular consequence: synonymous variant.
Genome position (GRCh38, 1-based): chr3:122,283,982, G>A. VCF-style: chr3-122283982-G-A. GRCh37 (hg19) VCF-style: chr3-122002829-G-A.
Other names: c.2058G>A, p.Thr686= (NM_001178065.2); c.2058G>A (NM_001178065.1).
Identifiers: ClinVar variation 416101 (VCV000416101.18), dbSNP rs563112343, ClinGen allele CA2569771.